The following is an entry in ClinVar:

ClinVar aggregate classification (germline): Likely pathogenic (1 of 4 stars; one submission).

Conditions:
Lymphoproliferative syndrome with absent SAP expression.

Submission:

Genetics Laboratory, Great Ormond Street Hospital NHS Foundation Trust, North Thames Genomic Laboratory Hub
Classification: Likely pathogenic for Lymphoproliferative syndrome with absent SAP expression. Last evaluated: 2026-03-05. Review status: criteria provided, single submitter. Criteria: ACGS Best Practice Guidelines for Variant Classification in Rare Disease 2024 v1.2. Collection method: clinical testing. Allele origin: germline. Affected: yes.
Comment: PM2_moderate, PP3_supporting, PM5_supporting, PP2_supporting, PP4_supporting

NM_002351.5(SH2D1A):c.203C>G (p.Thr68Arg)

Gene: SH2D1A (SH2 domain containing 1A; plus strand). Cytogenetic location: Xq25.
Variant type: single nucleotide variant.
Coding change: c.203C>G on transcript NM_002351.5 (MANE Select); coding-DNA position 203, C replaced by G.
Protein change: p.Thr68Arg; replaces threonine 68 with arginine.
Molecular consequence: missense variant.
Genome position (GRCh38, 1-based): chrX:124,370,177, C>G. VCF-style: chrX-124370177-C-G. GRCh37 (hg19) VCF-style: chrX-123504027-C-G.
Other names: c.203C>G, p.Thr68Arg (NM_001114937.3); short protein forms T68R.
Identifiers: ClinVar variation 4849569 (VCV004849569.1).